The following is an entry in ClinVar:

ClinVar aggregate classification (germline): Uncertain significance (1 of 4 stars; one submission).

Conditions:
Menkes kinky-hair syndrome (MNK). Also called: Copper transport disease; Menkes Disease; Classic Menkes Disease. Identifiers: Orphanet 565, MedGen C0022716, MONDO:0010651, OMIM 309400.
X-linked distal spinal muscular atrophy type 3. Also called: ATP7A-Related Distal Motor Neuropathy; SPINAL MUSCULAR ATROPHY, DISTAL, X-LINKED RECESSIVE; NEURONOPATHY, DISTAL HEREDITARY MOTOR, X-LINKED; NEUROPATHY, DISTAL HEREDITARY MOTOR, X-LINKED. Identifiers: Orphanet 139557, MedGen C1845359, MONDO:0010338, OMIM 300489.
Cutis laxa, X-linked (OHS). Also called: EDS IX; Occipital horn syndrome. Identifiers: Orphanet 198, MedGen C0268353, MONDO:0010572, OMIM 304150.

gnomAD v4.1: 4 of 1,210,513 alleles (0.00033%); highest among the groups gnomAD compares: Non-Finnish European, 0.00034%; no homozygotes.

Submission:

Labcorp Genetics (formerly Invitae), Labcorp
Classification: Uncertain significance for X-linked distal spinal muscular atrophy type 3; Cutis laxa, X-linked; Menkes kinky-hair syndrome. Last evaluated: 2025-12-13. Review status: criteria provided, single submitter. Criteria: Invitae Variant Classification Sherloc (09022015). Collection method: clinical testing. Allele origin: germline.
Comment: This sequence change falls in intron 22 of the ATP7A gene. It does not directly change the encoded amino acid sequence of the ATP7A protein. This variant is not present in population databases (gnomAD no frequency). This variant has not been reported in the literature in individuals affected with ATP7A-related conditions. ClinVar contains an entry for this variant (Variation ID: 3750890). Algorithms developed to predict the effect of sequence changes on RNA splicing suggest that this variant may disrupt the consensus splice site. In summary, the available evidence is currently insufficient to determine the role of this variant in disease. Therefore, it has been classified as a Variant of Uncertain Significance.

NM_000052.7(ATP7A):c.4227-13T>G

Gene: ATP7A (ATPase copper transporting alpha; plus strand). Cytogenetic location: Xq21.1.
Variant type: single nucleotide variant.
Coding change: c.4227-13T>G on transcript NM_000052.7 (MANE Select); 13 bases into the intron before coding-DNA position 4227, T replaced by G.
Molecular consequence: intron variant.
Genome position (GRCh38, 1-based): chrX:78,046,281, T>G. VCF-style: chrX-78046281-T-G. GRCh37 (hg19) VCF-style: chrX-77301778-T-G.
Other names: c.3993-13T>G (NM_001282224.2).
Identifiers: ClinVar variation 3750890 (VCV003750890.2).